The following is an entry in ClinVar:

NM_005475.3(SH2B3):c.233A>G (p.Glu78Gly)

Gene: SH2B3 (SH2B adaptor protein 3; plus strand). Cytogenetic location: 12q24.12.
Variant type: single nucleotide variant.
Coding change: c.233A>G on transcript NM_005475.3 (MANE Select); coding-DNA position 233, A replaced by G.
Protein change: p.Glu78Gly; replaces glutamic acid 78 with glycine.
Molecular consequence: missense variant.
Genome position (GRCh38, 1-based): chr12:111,418,378, A>G. VCF-style: chr12-111418378-A-G. GRCh37 (hg19) VCF-style: chr12-111856182-A-G.
Other names: short protein forms E78G.
Identifiers: ClinVar variation 4824368 (VCV004824368.1).

ClinVar aggregate classification (germline): Uncertain significance (1 of 4 stars; one submission).

Conditions:
Inborn genetic diseases. Identifiers: MedGen C0950123, MeSH D030342.

Submission:

Ambry Genetics
Classification: Uncertain significance for Inborn genetic diseases. Last evaluated: 2026-02-17. Review status: criteria provided, single submitter. Criteria: Ambry Variant Classification Scheme 2023. Collection method: clinical testing. Allele origin: germline.
Comment: The p.E78G variant (also known as c.233A>G), located in coding exon 1 of the SH2B3 gene, results from an A to G substitution at nucleotide position 233. The glutamic acid at codon 78 is replaced by glycine, an amino acid with similar properties. This amino acid position is conserved. In addition, this alteration is predicted to be tolerated by in silico analysis. Based on the available evidence, the clinical significance of this variant remains unclear.